The following is an entry in ClinVar:

NM_002432.3(MNDA):c.992G>C (p.Ser331Thr)

Gene: MNDA (myeloid cell nuclear differentiation antigen; plus strand). Cytogenetic location: 1q23.1.
Variant type: single nucleotide variant.
Coding change: c.992G>C on transcript NM_002432.3 (MANE Select); coding-DNA position 992, G replaced by C.
Protein change: p.Ser331Thr; replaces serine 331 with threonine.
Molecular consequence: missense variant.
Genome position (GRCh38, 1-based): chr1:158,847,732, G>C. VCF-style: chr1-158847732-G-C. GRCh37 (hg19) VCF-style: chr1-158817522-G-C.
Other names: short protein forms S331T.
Identifiers: ClinVar variation 3222219 (VCV003222219.1), dbSNP rs759125507, ClinGen allele CA343043606.
Genomic context (GRCh38, chr1:158,847,732, plus strand): 5'-CATCTATATGATACTAACAATCCTCTCAGAAACAGGATGTTAATCTTCTTTTGCAGAAAA[G>C]CGTACACAAGAAGAACACAATTTATGAAATACAGGATAATACAGGATCCATGGATGTAGT-3'
Protein context (NP_002423.1, residues 321-341): VYGLFMLQKK[Ser331Thr]VHKKNTIYEI

ClinVar aggregate classification (germline): Uncertain significance (1 of 4 stars; one submission).

Submission:

Ambry Genetics
Classification: Uncertain significance. Last evaluated: 2023-09-27. Review status: criteria provided, single submitter. Criteria: Ambry Variant Classification Scheme 2023. Collection method: clinical testing. Allele origin: germline.
Comment: The p.S331T variant (also known as c.992G>C), located in coding exon 5 of the MNDA gene, results from a G to C substitution at nucleotide position 992. The serine at codon 331 is replaced by threonine, an amino acid with similar properties. This amino acid position is conserved. In addition, this alteration is predicted to be tolerated by in silico analysis. Since supporting evidence is limited at this time, the clinical significance of this alteration remains unclear.